The following is an entry in ClinVar:

NM_018489.3(ASH1L):c.6223+2T>G

Gene: ASH1L (ASH1 like histone lysine methyltransferase; minus strand). Cytogenetic location: 1q22.
Variant type: single nucleotide variant.
Coding change: c.6223+2T>G on transcript NM_018489.3 (MANE Select); the canonical splice donor site of the intron after coding-DNA position 6223, T replaced by G.
Molecular consequence: splice donor variant.
Genome position (GRCh38, 1-based): chr1:155,378,501, A>C on the plus strand (T>G on the coding strand, the complement: ASH1L is on the minus strand). VCF-style: chr1-155378501-A-C. GRCh37 (hg19) VCF-style: chr1-155348292-A-C.
Other names: c.6238+2T>G (NM_001366177.2).
Identifiers: ClinVar variation 4796660 (VCV004796660.1).

ClinVar aggregate classification (germline): Pathogenic (1 of 4 stars; one submission).

Submission:

GeneDx
Classification: Pathogenic. Last evaluated: 2025-08-22. Review status: criteria provided, single submitter. Criteria: GeneDx Variant Classification Process June 2021. Collection method: clinical testing. Allele origin: germline. Affected: yes.
Comment: Canonical splice site variant predicted to result in a null allele in a gene for which loss of function is a known mechanism of disease; Not observed at significant frequency in large population cohorts (gnomAD); Has not been previously published as pathogenic or benign to our knowledge